The following is an entry in ClinVar:

ClinVar aggregate classification (germline): Likely pathogenic (1 of 4 stars; one submission).

Conditions:
Epilepsy, familial focal, with variable foci 1 (FFEVF1). Also called: DEPDC5-Related Epilepsy. Identifiers: MedGen C4551983, MONDO:0024556, OMIM 604364.

Submission:

Institute of Human Genetics, University of Leipzig Medical Center
Classification: Likely pathogenic for Epilepsy, familial focal, with variable foci 1. Last evaluated: 2022-11-14. Review status: criteria provided, single submitter. Criteria: ACMG Guidelines, 2015. Collection method: clinical testing. Allele origin: unknown. Affected: yes.
Comment: _x000D_ Criteria applied: PVS1, PM2_SUP

NM_001242896.3(DEPDC5):c.3486-3_3486-1delinsA

Gene: DEPDC5 (DEP domain containing 5, GATOR1 subcomplex subunit; plus strand). Cytogenetic location: 22q12.3.
Variant type: Indel.
Coding change: c.3486-3_3486-1delinsA on transcript NM_001242896.3 (MANE Select); 3 bases into the intron before coding-DNA position 3486 through the canonical splice acceptor site of the intron before coding-DNA position 3486, CAG replaced by A.
Molecular consequence: splice acceptor variant. On other transcripts: non-coding transcript variant (1).
Genome position (GRCh38, 1-based): chr22:31,873,252-31,873,254, CAG replaced by A. VCF-style: chr22-31873252-CAG-A. GRCh37 (hg19) VCF-style: chr22-32269238-CAG-A.
Other names: c.3486-3_3486-1delinsA (NM_001364318.2); c.3459-3_3459-1delinsA (NM_001136029.4); c.3393-3_3393-1delinsA (NM_014662.6, NM_001369903.1); c.3420-3_3420-1delinsA (NM_001363852.2, NM_001364320.2); c.3252-3_3252-1delinsA (NM_001363854.2, NM_001364319.2); c.3186-3_3186-1delinsA (NM_001242897.2); c.3402-3_3402-1delinsA (NM_001369902.1, NM_001369901.1).
Identifiers: ClinVar variation 1804123 (VCV001804123.1), dbSNP rs2522341060, ClinGen allele CA2580099652.